The following is an entry in ClinVar:

NM_019066.5(MAGEL2):c.3544T>A (p.Phe1182Ile)

Gene: MAGEL2 (MAGE family member L2; minus strand). Cytogenetic location: 15q11.2.
Variant type: single nucleotide variant.
Coding change: c.3544T>A on transcript NM_019066.5 (MANE Select); coding-DNA position 3544, T replaced by A.
Protein change: p.Phe1182Ile; replaces phenylalanine 1182 with isoleucine.
Molecular consequence: missense variant.
Genome position (GRCh38, 1-based): chr15:23,644,199, A>T on the plus strand (T>A on the coding strand, the complement: MAGEL2 is on the minus strand). VCF-style: chr15-23644199-A-T. GRCh37 (hg19) VCF-style: chr15-23889346-A-T.
Other names: short protein forms F1182I.
Identifiers: ClinVar variation 1339697 (VCV001339697.7), dbSNP rs2140711896, ClinGen allele CA391322334.
Genomic context (GRCh38, chr15:23,644,199, plus strand): 5'-CCAAAAACCTCAGGACAAGCATCTTGCTGGTTTCCAGGAATGCTCGAGGGCCCCAGAGGA[A>T]CTCATACTCTGCGGGCTCAGTGTAAGGGATTCGCCTGTACTCTAGGTACTTCTGCCTGAC-3'
Protein context (NP_061939.3, residues 1172-1192): IPYTEPAEYE[Phe1182Ile]LWGPRAFLET

ClinVar aggregate classification (germline): Uncertain significance. Review status: criteria provided, multiple submitters, no conflicts (2 of 4 stars). 3 submissions from 3 submitters: Uncertain significance (3). Last evaluated 2026-06-23.

Conditions:
MAGEL2-related disorder. Also called: MAGEL2-related condition.

Allele frequency attached by ClinVar (database versions not stated): gnomAD exomes 0.00001.
gnomAD v4.1: 4 of 1,613,816 alleles (0.00025%); highest among the groups gnomAD compares: Non-Finnish European, 0.00025%; no homozygotes.

Submissions (3):

PreventionGenetics, part of Exact Sciences
Classification: Uncertain significance for MAGEL2-related condition. Last evaluated: 2026-06-23. Review status: criteria provided, single submitter. Criteria: ACMG Guidelines, 2015. Collection method: clinical testing. Allele origin: germline.
Comment: The MAGEL2 c.3544T>A variant is predicted to result in the amino acid substitution p.Phe1182Ile. To our knowledge, this variant has not been reported in the literature or in a large population database (gnomAD), indicating this variant is rare. At this time, the clinical significance of this variant is uncertain due to the absence of conclusive functional and genetic evidence.

Labcorp Genetics (formerly Invitae), Labcorp
Classification: Uncertain significance. Last evaluated: 2022-04-20. Review status: criteria provided, single submitter. Criteria: Invitae Variant Classification Sherloc (09022015). Collection method: clinical testing. Allele origin: germline.
Comment: Experimental studies and prediction algorithms are not available or were not evaluated, and the functional significance of this variant is currently unknown. ClinVar contains an entry for this variant (Variation ID: 1339697). This variant has not been reported in the literature in individuals affected with MAGEL2-related conditions. This variant is not present in population databases (gnomAD no frequency). This sequence change replaces phenylalanine, which is neutral and non-polar, with isoleucine, which is neutral and non-polar, at codon 1182 of the MAGEL2 protein (p.Phe1182Ile). In summary, the available evidence is currently insufficient to determine the role of this variant in disease. Therefore, it has been classified as a Variant of Uncertain Significance.

Women's Health and Genetics/Laboratory Corporation of America, LabCorp
Classification: Uncertain significance. Last evaluated: 2022-01-13. Review status: criteria provided, single submitter. Criteria: LabCorp Variant Classification Summary - May 2015. Collection method: clinical testing. Allele origin: germline.
Comment: Variant summary: MAGEL2 c.3544T>A (p.Phe1182Ile) results in a non-conservative amino acid change located in the MAGE homology domain (IPR002190) of the encoded protein sequence. Two of three in-silico tools predict a damaging effect of the variant on protein function. The variant was absent in 249116 control chromosomes (gnomAD). The available data on variant occurrences in the general population are insufficient to allow any conclusion about variant significance. To our knowledge, no occurrence of c.3544T>A in individuals affected with Schaaf-Yang Syndrome and no experimental evidence demonstrating its impact on protein function have been reported. No clinical diagnostic laboratories have submitted clinical-significance assessments for this variant to ClinVar after 2014. Based on the evidence outlined above, the variant was classified as uncertain significance.